The following is an entry in ClinVar:

NM_032119.4(ADGRV1):c.1704G>T (p.Leu568Phe)

Gene: ADGRV1 (adhesion G protein-coupled receptor V1; plus strand). Cytogenetic location: 5q14.3.
Variant type: single nucleotide variant.
Coding change: c.1704G>T on transcript NM_032119.4 (MANE Select); coding-DNA position 1704, G replaced by T.
Protein change: p.Leu568Phe; replaces leucine 568 with phenylalanine.
Molecular consequence: missense variant. On other transcripts: non-coding transcript variant (1).
Genome position (GRCh38, 1-based): chr5:90,629,404, G>T. VCF-style: chr5-90629404-G-T. GRCh37 (hg19) VCF-style: chr5-89925221-G-T.
Other names: short protein forms L568F.
Identifiers: ClinVar variation 4847337 (VCV004847337.1).

ClinVar aggregate classification (germline): Uncertain significance (1 of 4 stars; one submission).

gnomAD v4.1: 2 of 1,613,526 alleles (0.00012%); highest among the groups gnomAD compares: Non-Finnish European, 0.00017%; no homozygotes.

Submission:

Women's Health and Genetics/Laboratory Corporation of America, LabCorp
Classification: Uncertain significance. Last evaluated: 2026-03-10. Review status: criteria provided, single submitter. Criteria: LabCorp Variant Classification Summary - May 2015. Collection method: clinical testing. Allele origin: germline.
Comment: Variant summary: ADGRV1 c.1704G>T (p.Leu568Phe) results in a non-conservative amino acid change in the encoded protein sequence. Algorithms developed to predict the effect of missense changes on protein structure and function are either unavailable or do not agree on the potential impact of this missense change. The variant was absent in 249060 control chromosomes. The available data on variant occurrences in the general population are insufficient to allow any conclusion about variant significance. To our knowledge, no occurrence of c.1704G>T in individuals affected with ADGRV1-related conditions and no experimental evidence demonstrating its impact on protein function have been reported. No submitters have cited clinical-significance assessments for this variant to ClinVar. Based on the evidence outlined above, the variant was classified as uncertain significance.